The following is an entry in ClinVar:

ClinVar aggregate classification (germline): Uncertain significance (1 of 4 stars; one submission).

Submission:

Labcorp Genetics (formerly Invitae), Labcorp
Classification: Uncertain significance. Last evaluated: 2023-06-21. Review status: criteria provided, single submitter. Criteria: Invitae Variant Classification Sherloc (09022015). Collection method: clinical testing. Allele origin: germline.
Comment: This sequence change replaces cysteine, which is neutral and slightly polar, with arginine, which is basic and polar, at codon 712 of the LTBP2 protein (p.Cys712Arg). This variant is not present in population databases (gnomAD no frequency). This variant has not been reported in the literature in individuals affected with LTBP2-related conditions. An algorithm developed to predict the effect of missense changes on protein structure and function (PolyPhen-2) suggests that this variant is likely to be disruptive. In summary, the available evidence is currently insufficient to determine the role of this variant in disease. Therefore, it has been classified as a Variant of Uncertain Significance.

NM_000428.3(LTBP2):c.2134T>C (p.Cys712Arg)

Gene: LTBP2 (latent transforming growth factor beta binding protein 2; minus strand). Cytogenetic location: 14q24.3.
Variant type: single nucleotide variant.
Coding change: c.2134T>C on transcript NM_000428.3 (MANE Select); coding-DNA position 2134, T replaced by C.
Protein change: p.Cys712Arg; replaces cysteine 712 with arginine.
Molecular consequence: missense variant.
Genome position (GRCh38, 1-based): chr14:74,528,976, A>G on the plus strand (T>C on the coding strand, the complement: LTBP2 is on the minus strand). VCF-style: chr14-74528976-A-G. GRCh37 (hg19) VCF-style: chr14-74995679-A-G.
Other names: short protein forms C712R.
Identifiers: ClinVar variation 2713004 (VCV002713004.3), dbSNP rs2506154208, ClinGen allele CA390395314.